The following is an entry in ClinVar:

NM_004629.2(FANCG):c.244dup (p.Ala82fs)

Gene: FANCG (FA complementation group G; minus strand). Cytogenetic location: 9p13.3.
Variant type: Duplication.
Coding change: c.244dup on transcript NM_004629.2 (MANE Select); coding-DNA position 244, one base duplicated (G; older notation c.244dupG).
Protein change: p.Ala82fs; shifts the reading frame from alanine 82.
Molecular consequence: frameshift variant.
Genome position (GRCh38, 1-based): chr9:35,078,668, C duplicated on the plus strand (G on the coding strand, the reverse complement: FANCG is on the minus strand); the first of 3 consecutive C bases (chr9:35,078,668-35,078,670); duplicating any one gives the same sequence. VCF-style (leftmost placement, unchanged base first): chr9-35078667-G-GC. GRCh37 (hg19) VCF-style: chr9-35078664-G-GC.
Other names: short protein forms A82fs.
Identifiers: ClinVar variation 929677 (VCV000929677.1), dbSNP rs1829129696, ClinGen allele CA1139660974.

ClinVar aggregate classification (germline): Pathogenic (0 of 4 stars; one submission).

Conditions:
Fanconi anemia complementation group G. Also called: FANCG-Related Fanconi Anemia; Fanconi anemia group G. Identifiers: Orphanet 84, MedGen C3469527, MONDO:0013565, OMIM 614082.

Submission:

Leiden Open Variation Database
Classification: Pathogenic for Fanconi anemia complementation group G. Last evaluated: 2020-02-28. Review status: no assertion criteria provided. Collection method: curation. Allele origin: germline. Affected: yes.
Comment: Curator: Arleen D. Auerbach. Submitter to LOVD: Arleen D. Auerbach.

Literature cited by the submitters: PubMed 11438206; PubMed 12552564.